The following is an entry in ClinVar:

NM_003239.5(TGFB3):c.213C>T (p.Ala71=)

Gene: TGFB3 (transforming growth factor beta 3; minus strand). Cytogenetic location: 14q24.3.
Variant type: single nucleotide variant.
Coding change: c.213C>T on transcript NM_003239.5 (MANE Select); coding-DNA position 213, C replaced by T.
Protein change: p.Ala71=; no amino-acid change (alanine 71 retained).
Molecular consequence: synonymous variant.
Genome position (GRCh38, 1-based): chr14:75,980,681, G>A on the plus strand (C>T on the coding strand, the complement: TGFB3 is on the minus strand). VCF-style: chr14-75980681-G-A. GRCh37 (hg19) VCF-style: chr14-76447024-G-A.
Other names: c.213C>T, p.Ala71= (NM_001329938.2, NM_001329939.2); c.213C>T (NM_003239.4).
Identifiers: ClinVar variation 543957 (VCV000543957.15), dbSNP rs753250192, ClinGen allele CA7280495.

ClinVar aggregate classification (germline): Likely benign. Review status: criteria provided, multiple submitters, no conflicts (2 of 4 stars). 3 submissions from 3 submitters: Likely benign (3). Last evaluated 2024-10-28.

Conditions:
TGFB3-related disorder. Also called: TGFB3-related condition.
Rienhoff syndrome. Also called: LOEYS-DIETZ SYNDROME 5. Identifiers: MedGen C3810012, MONDO:0014262, OMIM 615582.
Familial thoracic aortic aneurysm and aortic dissection (TAAD). Also called: Thoracic aortic aneurysms and dissections. Identifiers: Orphanet 91387, MedGen C4707243, MONDO:0019625.

Allele frequency attached by ClinVar (database versions not stated): gnomAD exomes below 0.00001 and 0.00001; ExAC 0.00001; gnomAD 0.00003 and 0.00004; TOPMed 0.00005.
gnomAD v4.1: 8 of 1,614,098 alleles (0.0005%); highest among the groups gnomAD compares: African/African-American, 0.0093%; no homozygotes.

Submissions (3):

PreventionGenetics, part of Exact Sciences
Classification: Likely benign for TGFB3-related condition. Last evaluated: 2024-10-28. Review status: criteria provided, single submitter. Criteria: ACMG Guidelines, 2015. Collection method: clinical testing. Allele origin: germline.
Comment: This variant is classified as likely benign based on ACMG/AMP sequence variant interpretation guidelines (Richards et al. 2015 PMID: 25741868, with internal and published modifications).

Labcorp Genetics (formerly Invitae), Labcorp
Classification: Likely benign for Rienhoff syndrome. Last evaluated: 2022-12-02. Review status: criteria provided, single submitter. Criteria: Invitae Variant Classification Sherloc (09022015). Collection method: clinical testing. Allele origin: germline.

Ambry Genetics
Classification: Likely benign for Familial thoracic aortic aneurysm and aortic dissection. Last evaluated: 2019-08-12. Review status: criteria provided, single submitter. Criteria: Ambry Variant Classification Scheme 2023. Collection method: clinical testing. Allele origin: germline.